The following is an entry in ClinVar:

NM_032737.4(LMNB2):c.1416T>C (p.Gly472=)

Gene: LMNB2 (lamin B2; minus strand). Cytogenetic location: 19p13.3.
Variant type: single nucleotide variant.
Coding change: c.1416T>C on transcript NM_032737.4 (MANE Select); coding-DNA position 1416, T replaced by C.
Protein change: p.Gly472=; no amino-acid change (glycine 472 retained).
Molecular consequence: synonymous variant.
Genome position (GRCh38, 1-based): chr19:2,433,892, A>G on the plus strand (T>C on the coding strand, the complement: LMNB2 is on the minus strand). VCF-style: chr19-2433892-A-G. GRCh37 (hg19) VCF-style: chr19-2433890-A-G.
Identifiers: ClinVar variation 129488 (VCV000129488.18), dbSNP rs11084940, ClinGen allele CA153533.

ClinVar aggregate classification (germline): Benign/Likely benign. Review status: criteria provided, multiple submitters, no conflicts (2 of 4 stars). 5 submissions from 5 submitters: Benign (3); Likely benign (1). 1 of the submissions does not count toward it. Last evaluated 2026-02-03.

Conditions:
Progressive myoclonic epilepsy type 9. Identifiers: Orphanet 457265, MedGen C4225289, MONDO:0014685, OMIM 616540.
Lipodystrophy, partial, acquired, susceptibility to (APLD). Also called: APLD, SUSCEPTIBILITY TO. Identifiers: MedGen C3887501, MONDO:0100476, OMIM 608709.

Allele frequency attached by ClinVar (database versions not stated): gnomAD exomes 0.49530 and 0.55034; ExAC 0.54611; ESP Exome Variant Server 0.57106; gnomAD 0.59245 and 0.59479; TOPMed 0.60603; 1000 Genomes Project 0.63758; 1000 Genomes Project 30x 0.64069.
gnomAD v4.1: 814,366 of 1,612,816 alleles (50%); highest among the groups gnomAD compares: African/African-American, 81%; 212,747 homozygotes.

Submissions (5):

Labcorp Genetics (formerly Invitae), Labcorp
Classification: Benign for Progressive myoclonic epilepsy type 9; Lipodystrophy, partial, acquired, susceptibility to. Last evaluated: 2026-02-03. Review status: criteria provided, single submitter. Criteria: Invitae Variant Classification Sherloc (09022015). Collection method: clinical testing. Allele origin: germline.

Blueprint Genetics
Classification: Likely benign. Last evaluated: 2024-11-28. Review status: criteria provided, single submitter. Criteria: ACMG Guidelines, 2015. Collection method: clinical testing. Allele origin: germline.

GeneDx
Classification: Benign. Last evaluated: 2021-06-09. Review status: criteria provided, single submitter. Criteria: GeneDx Variant Classification Process June 2021. Collection method: clinical testing. Allele origin: germline. Affected: yes.

Breakthrough Genomics
Classification: Benign. Review status: criteria provided, single submitter. Criteria: ACMG Guidelines, 2015. Collection method: not provided. Allele origin: germline. Inheritance: Autosomal recessive inheritance. Affected: yes.

Genetic Services Laboratory, University of Chicago
Classification: Likely benign for AllHighlyPenetrant. Review status: no assertion criteria provided. Collection method: clinical testing. Allele origin: germline. Not counted in ClinVar's aggregate classification.
Comment: Likely benign based on allele frequency in 1000 Genomes Project or ESP global frequency and its presence in a patient with a rare or unrelated disease phenotype. NOT Sanger confirmed.